The following is an entry in ClinVar:

ClinVar aggregate classification (germline): Uncertain significance. Review status: criteria provided, multiple submitters, no conflicts (2 of 4 stars). 11 submissions from 11 submitters: Uncertain significance (9). 2 of the submissions do not count toward it. Last evaluated 2026-02-06.

Conditions:
ALPK3-related disorder. Also called: ALPK3-related condition.
Cardiomyopathy, familial hypertrophic 27. Identifiers: MedGen C4748014, MONDO:0054838, OMIM 618052.
Cardiovascular phenotype. Identifiers: MedGen CN230736.

Allele frequency attached by ClinVar (database versions not stated): gnomAD 0.00006 and 0.00007; TOPMed 0.00006; gnomAD exomes 0.00007; ExAC 0.00008.

Submissions (11):

GeneDx
Classification: Uncertain significance. Last evaluated: 2026-02-06. Review status: criteria provided, single submitter. Criteria: GeneDx Variant Classification Process June 2021. Collection method: clinical testing. Allele origin: germline. Affected: yes.
Comment: Has been reported as a variant of uncertain significance in an individual with ARVC (PMID: 30847666); Has been reported individuals with LVH and HCM, and reported as c.4091 G>C one patient, who each also harbored a second variant in the ALPK3 gene (PMID: 32480058, 39472908); In silico analysis supports that this missense variant has a deleterious effect on protein structure/function; Also known as c.4091G>C; p.(G1364A); This variant is associated with the following publications: (PMID: 33076350, 32480058, 39472908, 30847666)

Labcorp Genetics (formerly Invitae), Labcorp
Classification: Uncertain significance. Last evaluated: 2026-01-28. Review status: criteria provided, single submitter. Criteria: Invitae Variant Classification Sherloc (09022015). Collection method: clinical testing. Allele origin: germline.
Comment: This sequence change replaces glycine, which is neutral and non-polar, with alanine, which is neutral and non-polar, at codon 1364 of the ALPK3 protein (p.Gly1364Ala). This variant is present in population databases (rs752749949, gnomAD 0.01%). This missense change has been observed in individual(s) with hypertrophic cardiomyopathy and arrhythmogenic right ventricular cardiomyopathy (PMID: 30847666, 32480058). ClinVar contains an entry for this variant (Variation ID: 1284767). Invitae Evidence Modeling of protein sequence and biophysical properties (such as structural, functional, and spatial information, amino acid conservation, physicochemical variation, residue mobility, and thermodynamic stability) indicates that this missense variant is expected to disrupt ALPK3 protein function with a positive predictive value of 80%. In summary, the available evidence is currently insufficient to determine the role of this variant in disease. Therefore, it has been classified as a Variant of Uncertain Significance.

Ambry Genetics
Classification: Uncertain significance for Cardiovascular phenotype. Last evaluated: 2026-01-21. Review status: criteria provided, single submitter. Criteria: Ambry Variant Classification Scheme 2023. Collection method: clinical testing. Allele origin: germline.
Comment: The c.4091G>C (p.G1364A) alteration is located in exon 6 (coding exon 6) of the ALPK3 gene. This alteration results from a G to C substitution at nucleotide position 4091, causing the glycine (G) at amino acid position 1364 to be replaced by an alanine (A). Based on data from gnomAD, the C allele has an overall frequency of 0.007% (18/274450) total alleles studied. The highest observed frequency was 0.014% (1/7012) of Other alleles. Based on insufficient or conflicting evidence, the clinical significance of this alteration remains unclear.

Mayo Clinic Laboratories, Mayo Clinic
Classification: Uncertain significance. Last evaluated: 2025-10-21. Review status: criteria provided, single submitter. Criteria: ACMG Guidelines, 2015. Collection method: clinical testing. Allele origin: germline. Observed: 1 variant allele.
Comment: PM3

PreventionGenetics, part of Exact Sciences
Classification: Uncertain significance for ALPK3-related condition. Last evaluated: 2025-09-04. Review status: criteria provided, single submitter. Criteria: ACMG Guidelines, 2015. Collection method: clinical testing. Allele origin: germline.
Comment: The ALPK3 c.4091G>C variant is predicted to result in the amino acid substitution p.Gly1364Ala. This variant has been reported with an ALPK3 frameshift variant in two unrelated individuals with hypertrophic cardiomyopathy (Herkert et al. 2020. PubMed ID: 32480058; described as p.Gly1162Ala, Josephs et al. 2024. PubMed ID: 39472908). This variant has also been reported in an individual with arrhythmogenic right ventricular cardiomyopathy (online supplementary file 2, van Lint et al. 2019. PubMed ID: 30847666). This variant is reported in 0.011% of alleles in individuals of European (Non-Finnish) descent in gnomAD. At this time, the clinical significance of this variant is uncertain due to the absence of conclusive functional and genetic evidence.

Women's Health and Genetics/Laboratory Corporation of America, LabCorp
Classification: Uncertain significance. Last evaluated: 2025-05-09. Review status: criteria provided, single submitter. Criteria: LabCorp Variant Classification Summary - May 2015. Collection method: clinical testing. Allele origin: germline.
Comment: Variant summary: ALPK3 c.3485G>C (p.Gly1162Ala) results in a non-conservative amino acid change in the encoded protein sequence. Algorithms developed to predict the effect of missense changes on protein structure and function all suggest that this variant is likely to be disruptive. The variant allele was found at a frequency of 7e-05 in 243178 control chromosomes. This frequency is not significantly higher than estimated for a pathogenic variant in ALPK3 causing Cardiomyopathy (7e-05 vs 0.0071), allowing no conclusion about variant significance. c.3485G>C has been observed in individual(s) affected with Cardiomyopathy and Arrhythmogenic right ventricular cardiomyopathy (vanLint_2019, Herkert_2020). These data do not allow any conclusion about variant significance. To our knowledge, no experimental evidence demonstrating an impact on protein function has been reported. The following publications have been ascertained in the context of this evaluation (PMID: 32480058, 30847666). ClinVar contains an entry for this variant (Variation ID: 1284767). Based on the evidence outlined above, the variant was classified as uncertain significance.

Molecular Diagnostic Laboratory for Inherited Cardiovascular Disease, Montreal Heart Institute
Classification: Uncertain significance for Cardiovascular phenotype. Last evaluated: 2025-04-09. Review status: criteria provided, single submitter. Criteria: ACMG Guidelines, 2015. Collection method: clinical testing. Allele origin: germline. Affected: yes.
Comment: PM2, BP1

Blueprint Genetics
Classification: Uncertain significance. Last evaluated: 2024-11-13. Review status: criteria provided, single submitter. Criteria: ACMG Guidelines, 2015. Collection method: clinical testing. Allele origin: germline.

Clinical Genomics Laboratory, Stanford Medicine
Classification: Uncertain significance for Cardiomyopathy, familial hypertrophic 27. Last evaluated: 2021-06-29. Review status: criteria provided, single submitter. Criteria: ACMG Guidelines, 2015. Collection method: clinical testing. Allele origin: germline. Affected: yes. Observed: 1 heterozygote.
Comment: The p.Gly1364Ala variant has been previously reported in the compound heterozygous statewith a truncating variant (p.Asn1666Thrfs*14) in an adult with hypertrophic cardiomyopathy (Herkert et al., 2020). Additionally, this variant has been reported in the heterozygous state in an individual with arrhythmogenic right ventricular cardiomyopathy with no second variant identified (van Lint et al., 2019).This variant has been identified in 14/124,846 European non-Finnish chromosomes (18/274,450 chromosomes overall) by the Genome Aggregation Database. Although this variant has been seen in the general population, its frequency is low enough to be consistent with a recessive carrier frequency.Computational tools predict that the p.Gly1364Ala is deleterious; however, the accuracy of in silicoalgorithms is limited.These data were assessed using the ACMG/AMP variant interpretation guidelines. In summary, the significance of the p.Gly1364Alavariant is uncertain. Additional information is needed to resolve the significance of this variant.[ACMG evidence codes used: PM2; PM3_Supporting; PP3]

Clinical Genetics, Academic Medical Center
Classification: Uncertain significance. Review status: no assertion criteria provided. Collection method: clinical testing. Allele origin: germline. Affected: yes. Study: VKGL Data-share Consensus. Not counted in ClinVar's aggregate classification.

Diagnostic Laboratory, Department of Genetics, University Medical Center Groningen
Classification: Uncertain significance. Review status: no assertion criteria provided. Collection method: clinical testing. Allele origin: germline. Affected: yes. Study: VKGL Data-share Consensus. Not counted in ClinVar's aggregate classification.

Literature cited by the submitters: PubMed 30847666 (cited by 3 submitters); PubMed 32480058 (cited by 3 submitters); PubMed 39472908 (cited by Mayo Clinic Laboratories, Mayo Clinic).

NM_020778.5(ALPK3):c.3485G>C (p.Gly1162Ala)

Gene: ALPK3 (alpha kinase 3; plus strand). Cytogenetic location: 15q25.3.
Variant type: single nucleotide variant.
Coding change: c.3485G>C on transcript NM_020778.5 (MANE Select); coding-DNA position 3485, G replaced by C.
Protein change: p.Gly1162Ala; replaces glycine 1162 with alanine.
Molecular consequence: missense variant.
Genome position (GRCh38, 1-based): chr15:84,858,223, G>C. VCF-style: chr15-84858223-G-C. GRCh37 (hg19) VCF-style: chr15-85401454-G-C.
Other names: p.Gly1364Ala; short protein forms G1162A.
Identifiers: ClinVar variation 1284767 (VCV001284767.20), dbSNP rs752749949, ClinGen allele CA7709644.